The following is an entry in ClinVar:

ClinVar aggregate classification (germline): Likely pathogenic (1 of 4 stars; one submission).

Conditions:
Holocarboxylase synthetase deficiency. Also called: MULTIPLE CARBOXYLASE DEFICIENCY, EARLY ONSET. Identifiers: Orphanet 79242, MedGen C0268581, MONDO:0009666, OMIM 253270.

Submission:

Myriad Genetics, Inc.
Classification: Likely pathogenic for Holocarboxylase synthetase deficiency. Last evaluated: 2020-03-01. Review status: criteria provided, single submitter. Criteria: Myriad Women's Health Autosomal Recessive and X-Linked Classification Criteria (2019). Collection method: clinical testing. Allele origin: unknown.
Comment: NM_000411.6(HLCS):c.1278C>A(Y426*) is expected to be pathogenic in the context of holocarboxylase synthetase deficiency. This variant is predicted to lead to an abnormal or absent protein product due to the creation of a premature termination codon in HLCS, a gene where loss-of-function variants are known to be pathogenic. Please note: this variant was assessed in the context of healthy population screening.

NM_001352514.2(HLCS):c.1719C>A (p.Tyr573Ter)

Gene: HLCS (holocarboxylase synthetase; minus strand). Cytogenetic location: 21q22.13.
Variant type: single nucleotide variant.
Coding change: c.1719C>A on transcript NM_001352514.2 (MANE Select); coding-DNA position 1719, C replaced by A.
Protein change: p.Tyr573Ter; replaces tyrosine 573 with a stop codon.
Molecular consequence: nonsense. On other transcripts: non-coding transcript variant (2).
Genome position (GRCh38, 1-based): chr21:36,897,033, G>T on the plus strand (C>A on the coding strand, the complement: HLCS is on the minus strand). VCF-style: chr21-36897033-G-T. GRCh37 (hg19) VCF-style: chr21-38269333-G-T.
Other names: c.1278C>A, p.Tyr426Ter (NM_000411.8, NM_001242784.3, NM_001242785.2 and 4 more transcripts); short protein forms Y426*, Y573*.
Identifiers: ClinVar variation 984052 (VCV000984052.3), dbSNP rs148814769, ClinGen allele CA409966624.